The following is an entry in ClinVar:

NM_000093.5(COL5A1):c.266A>G (p.Gln89Arg)

Gene: COL5A1 (collagen type V alpha 1 chain; plus strand). Cytogenetic location: 9q34.3.
Variant type: single nucleotide variant.
Coding change: c.266A>G on transcript NM_000093.5 (MANE Select); coding-DNA position 266, A replaced by G.
Protein change: p.Gln89Arg; replaces glutamine 89 with arginine.
Molecular consequence: missense variant.
Genome position (GRCh38, 1-based): chr9:134,691,068, A>G. VCF-style: chr9-134691068-A-G. GRCh37 (hg19) VCF-style: chr9-137582914-A-G.
Other names: c.266A>G, p.Gln89Arg (NM_001278074.1); short protein forms Q89R.
Identifiers: ClinVar variation 529270 (VCV000529270.10), dbSNP rs1554780187, ClinGen allele CA375440674.

ClinVar aggregate classification (germline): Uncertain significance (1 of 4 stars; one submission).

Conditions:
Ehlers-Danlos syndrome, classic type, 1 (EDSCL1). Also called: Ehlers-Danlos Syndrome, Classic Type, COL5A1-Related; EDS I; Ehlers-Danlos syndrome, type 1; EHLERS-DANLOS SYNDROME, GRAVIS TYPE; EHLERS-DANLOS SYNDROME, SEVERE CLASSIC TYPE. Identifiers: MedGen C0268335, MONDO:0019567, OMIM 130000.

gnomAD v4.1: 1 of 1,613,290 alleles (0.000062%); highest among the groups gnomAD compares: Admixed American, 0.0017%; no homozygotes.

Submission:

Labcorp Genetics (formerly Invitae), Labcorp
Classification: Uncertain significance for Ehlers-Danlos syndrome, classic type, 1. Last evaluated: 2017-08-27. Review status: criteria provided, single submitter. Criteria: Invitae Variant Classification Sherloc (09022015). Collection method: clinical testing. Allele origin: germline.
Comment: In summary, the available evidence is currently insufficient to determine the role of this variant in disease. Therefore, it has been classified as a Variant of Uncertain Significance. Algorithms developed to predict the effect of missense changes on protein structure and function do not agree on the potential impact of this missense change (SIFT: "Deleterious"; PolyPhen-2: "Probably Damaging"; Align-GVGD: "Class C0"). This variant has not been reported in the literature in individuals with COL5A1-related disease. This variant is not present in population databases (ExAC no frequency). This sequence change replaces glutamine with arginine at codon 89 of the COL5A1 protein (p.Gln89Arg). The glutamine residue is highly conserved and there is a small physicochemical difference between glutamine and arginine.